The following is an entry in ClinVar:

ClinVar aggregate classification (germline): Uncertain significance (1 of 4 stars; one submission).

Allele frequency attached by ClinVar (database versions not stated): gnomAD exomes below 0.00001; TOPMed below 0.00001.
gnomAD v4.1: 1 of 1,614,190 alleles (0.000062%); highest among the groups gnomAD compares: Non-Finnish European, 0.000085%; no homozygotes.

Submission:

CeGaT Center for Human Genetics Tuebingen
Classification: Uncertain significance. Last evaluated: 2023-08-01. Review status: criteria provided, single submitter. Criteria: CeGaT Center For Human Genetics Tuebingen Variant Classification Criteria Version 2. Collection method: clinical testing. Allele origin: germline. Affected: yes. Observed: 1 variant allele.
Comment: LAMA3: PM2

NM_198129.4(LAMA3):c.994C>T (p.Arg332Cys)

Gene: LAMA3 (laminin subunit alpha 3; plus strand). Cytogenetic location: 18q11.2.
Variant type: single nucleotide variant.
Coding change: c.994C>T on transcript NM_198129.4 (MANE Select); coding-DNA position 994, C replaced by T.
Protein change: p.Arg332Cys; replaces arginine 332 with cysteine.
Molecular consequence: missense variant. On other transcripts: non-coding transcript variant (1).
Genome position (GRCh38, 1-based): chr18:23,758,442, C>T. VCF-style: chr18-23758442-C-T. GRCh37 (hg19) VCF-style: chr18-21338406-C-T.
Other names: c.994C>T, p.Arg332Cys (NM_001127717.4, NM_001302996.2); short protein forms R332C.
Identifiers: ClinVar variation 2648622 (VCV002648622.24), dbSNP rs763917715, ClinGen allele CA297438041.